The following is an entry in ClinVar:

NM_001127649.3(PEX26):c.29C>T (p.Ala10Val)

Gene: PEX26 (peroxisomal biogenesis factor 26; plus strand). Cytogenetic location: 22q11.21.
Variant type: single nucleotide variant.
Coding change: c.29C>T on transcript NM_001127649.3 (MANE Select); coding-DNA position 29, C replaced by T.
Protein change: p.Ala10Val; replaces alanine 10 with valine.
Molecular consequence: missense variant.
Genome position (GRCh38, 1-based): chr22:18,078,405, C>T. VCF-style: chr22-18078405-C-T. GRCh37 (hg19) VCF-style: chr22-18561171-C-T.
Other names: c.29C>T, p.Ala10Val (NM_001199319.2, NM_017929.6); short protein forms A10V.
Identifiers: ClinVar variation 281576 (VCV000281576.17), dbSNP rs768425084, ClinGen allele CA10093193.

ClinVar aggregate classification (germline): Uncertain significance. Review status: criteria provided, multiple submitters, no conflicts (2 of 4 stars). 6 submissions from 6 submitters: Uncertain significance (6). Last evaluated 2026-05-18.

Conditions:
PEX26-related disorder. Also called: PEX26-related condition.
Inborn genetic diseases. Identifiers: MedGen C0950123, MeSH D030342.
Peroxisome biogenesis disorder 7A (Zellweger). Also called: Peroxisome biogenesis disorder 7A. Identifiers: Orphanet 912, MedGen C3888385, MONDO:0013938, OMIM 614872.
Peroxisome biogenesis disorder 7B (PBD7B). Identifiers: Orphanet 44, MedGen C3553951, MONDO:0013939, OMIM 614873.

Allele frequency attached by ClinVar (database versions not stated): gnomAD exomes 0.00011; TOPMed 0.00011; gnomAD 0.00013 and 0.00014; ExAC 0.00023.
gnomAD v4.1: 206 of 1,598,524 alleles (0.013%); highest among the groups gnomAD compares: Middle Eastern, 0.05%; no homozygotes.

Submissions (6):

PreventionGenetics, part of Exact Sciences
Classification: Uncertain significance for PEX26-related condition. Last evaluated: 2026-05-18. Review status: criteria provided, single submitter. Criteria: ACMG Guidelines, 2015. Collection method: clinical testing. Allele origin: germline.
Comment: The PEX26 c.29C>T variant is predicted to result in the amino acid substitution p.Ala10Val. To our knowledge, this variant has not been reported in the literature. This variant is reported in 0.094% of alleles in individuals of Ashkenazi Jewish descent in gnomAD, which may be too frequent to be an undocumented pathogenic variant. Although we suspect that this variant may be benign, at this time, the clinical significance of this variant is uncertain due to the absence of conclusive functional and genetic evidence.

Ambry Genetics
Classification: Uncertain significance for Inborn genetic diseases. Last evaluated: 2025-09-26. Review status: criteria provided, single submitter. Criteria: Ambry Variant Classification Scheme 2023. Collection method: clinical testing. Allele origin: germline.

Labcorp Genetics (formerly Invitae), Labcorp
Classification: Uncertain significance for Peroxisome biogenesis disorder 7A (Zellweger); Peroxisome biogenesis disorder 7B. Last evaluated: 2025-01-06. Review status: criteria provided, single submitter. Criteria: Invitae Variant Classification Sherloc (09022015). Collection method: clinical testing. Allele origin: germline.
Comment: This sequence change replaces alanine, which is neutral and non-polar, with valine, which is neutral and non-polar, at codon 10 of the PEX26 protein (p.Ala10Val). This variant is present in population databases (rs768425084, gnomAD 0.1%). This variant has not been reported in the literature in individuals affected with PEX26-related conditions. ClinVar contains an entry for this variant (Variation ID: 281576). An algorithm developed to predict the effect of missense changes on protein structure and function outputs the following: PolyPhen-2: "Benign". The valine amino acid residue is found in multiple mammalian species, which suggests that this missense change does not adversely affect protein function. In summary, the available evidence is currently insufficient to determine the role of this variant in disease. Therefore, it has been classified as a Variant of Uncertain Significance.

Blueprint Genetics
Classification: Uncertain significance. Last evaluated: 2023-10-12. Review status: criteria provided, single submitter. Criteria: ACMG Guidelines, 2015. Collection method: clinical testing. Allele origin: germline.

Illumina Laboratory Services, Illumina
Classification: Uncertain significance for Peroxisome biogenesis disorder 7A (Zellweger). Last evaluated: 2018-01-13. Review status: criteria provided, single submitter. Criteria: ICSL Variant Classification Criteria 13 December 2019. Collection method: clinical testing. Allele origin: germline.

Eurofins Ntd Llc (ga)
Classification: Uncertain significance. Last evaluated: 2015-06-26. Review status: criteria provided, single submitter. Criteria: EGL Classification Definitions 2015. Collection method: clinical testing. Allele origin: germline. Observed: 2 variant alleles, 2 heterozygotes.